The following is an entry in ClinVar:

NM_006348.5(COG5):c.955_963del (p.His319_Gln321del)

Gene: COG5 (component of oligomeric golgi complex 5; minus strand). Cytogenetic location: 7q22.3.
Variant type: Deletion.
Coding change: c.955_963del on transcript NM_006348.5 (MANE Select); coding-DNA positions 955 to 963, 9 bases deleted (CATCTACAA; older notation c.955_963delCATCTACAA).
Protein change: p.His319_Gln321del.
Molecular consequence: inframe deletion. On other transcripts: intron variant (1).
Genome position (GRCh38, 1-based): chr7:107,362,096-107,362,104, TTGTAGATG deleted on the plus strand (CATCTACAA on the coding strand, the reverse complement: COG5 is on the minus strand); deleting any 9 consecutive bases within chr7:107,362,096-107,362,109 gives the same sequence; the c. name uses the placement nearest the transcript's 3' end. VCF-style (leftmost placement, unchanged base first): chr7-107362095-TTTGTAGATG-T. GRCh37 (hg19) VCF-style: chr7-107002540-TTTGTAGATG-T.
Other names: c.955_963del, p.His319_Gln321del (NM_001161520.2, NM_001379511.1, NM_001379512.1 and 3 more transcripts); c.241_249del, p.His81_Gln83del (NM_001379516.1); c.539-63758_539-63750del (NM_001379515.1).
Identifiers: ClinVar variation 1407108 (VCV001407108.8), dbSNP rs2129046150, ClinGen allele CA2573141593.

ClinVar aggregate classification (germline): Uncertain significance (1 of 4 stars; one submission).

Conditions:
COG5-congenital disorder of glycosylation. Also called: CONGENITAL DISORDER OF GLYCOSYLATION, TYPE IIi; CDG IIi; COG5-CDG. Identifiers: Orphanet 263487, MedGen C3150876, MONDO:0013325, OMIM 613612.

Submission:

Labcorp Genetics (formerly Invitae), Labcorp
Classification: Uncertain significance for COG5-congenital disorder of glycosylation. Last evaluated: 2021-07-24. Review status: criteria provided, single submitter. Criteria: Invitae Variant Classification Sherloc (09022015). Collection method: clinical testing. Allele origin: germline.
Comment: In summary, the available evidence is currently insufficient to determine the role of this variant in disease. Therefore, it has been classified as a Variant of Uncertain Significance. Experimental studies and prediction algorithms are not available or were not evaluated, and the functional significance of this variant is currently unknown. This variant has not been reported in the literature in individuals affected with COG5-related conditions. This variant is not present in population databases (ExAC no frequency). This variant, c.1048_1056del, results in the deletion of 3 amino acid(s) of the COG5 protein (p.His350_Gln352del), but otherwise preserves the integrity of the reading frame.